The following is an entry in ClinVar:

ClinVar aggregate classification (germline): Uncertain significance (1 of 4 stars; one submission).

Conditions:
Cardiovascular phenotype. Identifiers: MedGen CN230736.

Submission:

Ambry Genetics
Classification: Uncertain significance for Cardiovascular phenotype. Last evaluated: 2024-03-22. Review status: criteria provided, single submitter. Criteria: Ambry Variant Classification Scheme 2023. Collection method: clinical testing. Allele origin: germline.
Comment: The p.S46T variant (also known as c.137G>C), located in coding exon 1 of the MYPN gene, results from a G to C substitution at nucleotide position 137. The serine at codon 46 is replaced by threonine, an amino acid with similar properties. This amino acid position is conserved. In addition, this alteration is predicted to be tolerated by in silico analysis. Based on the available evidence, the clinical significance of this alteration remains unclear.

NM_032578.4(MYPN):c.137G>C (p.Ser46Thr)

Gene: MYPN (myopalladin; plus strand). Cytogenetic location: 10q21.3.
Variant type: single nucleotide variant.
Coding change: c.137G>C on transcript NM_032578.4 (MANE Select); coding-DNA position 137, G replaced by C.
Protein change: p.Ser46Thr; replaces serine 46 with threonine.
Molecular consequence: missense variant. On other transcripts: 5 prime UTR variant (1), non-coding transcript variant (1).
Genome position (GRCh38, 1-based): chr10:68,121,575, G>C. VCF-style: chr10-68121575-G-C. GRCh37 (hg19) VCF-style: chr10-69881332-G-C.
Other names: c.137G>C, p.Ser46Thr (NM_001256267.2); c.-986G>C (NM_001256268.2); short protein forms S46T.
Identifiers: ClinVar variation 3298127 (VCV003298127.1).